The following is an entry in ClinVar:

ClinVar aggregate classification (germline): Benign/Likely benign. Review status: criteria provided, multiple submitters, no conflicts (2 of 4 stars). 2 submissions from 2 submitters: Benign (1); Likely benign (1). Last evaluated 2024-10-08.

Conditions:
Familial cancer of breast. Also called: hereditary breast carcinoma; BREAST CANCER, FAMILIAL; Hereditary breast cancer. Identifiers: Orphanet 227535, MedGen C0346153, MONDO:0016419, OMIM 114480. Disease mechanism: loss of function.

Submissions (2):

Myriad Genetics, Inc.
Classification: Benign for Familial cancer of breast. Last evaluated: 2024-10-08. Review status: criteria provided, single submitter. Criteria: Myriad Autosomal Dominant, Autosomal Recessive and X-Linked Classification Criteria (2023). Collection method: clinical testing. Allele origin: unknown.
Comment: This variant is considered benign. This variant is a silent/synonymous amino acid change and it is not expected to impact splicing.

Labcorp Genetics (formerly Invitae), Labcorp
Classification: Likely benign for Familial cancer of breast. Last evaluated: 2022-07-02. Review status: criteria provided, single submitter. Criteria: Invitae Variant Classification Sherloc (09022015). Collection method: clinical testing. Allele origin: germline.

NM_007194.4(CHEK2):c.1437A>G (p.Glu479=)

Gene: CHEK2 (checkpoint kinase 2; minus strand). Cytogenetic location: 22q12.1.
Variant type: single nucleotide variant.
Coding change: c.1437A>G on transcript NM_007194.4 (MANE Select); coding-DNA position 1437, A replaced by G.
Protein change: p.Glu479=; no amino-acid change (glutamic acid 479 retained).
Molecular consequence: synonymous variant.
Genome position (GRCh38, 1-based): chr22:28,694,056, T>C on the plus strand (A>G on the coding strand, the complement: CHEK2 is on the minus strand). VCF-style: chr22-28694056-T-C. GRCh37 (hg19) VCF-style: chr22-29090044-T-C.
Other names: c.1566A>G, p.Glu522= (NM_001005735.3); c.774A>G, p.Glu258= (NM_001257387.3); c.1236A>G, p.Glu412= (NM_001349956.3); c.1350A>G, p.Glu450= (NM_145862.3).
Identifiers: ClinVar variation 2196469 (VCV002196469.5), dbSNP rs2145784828, ClinGen allele CA513944750.